The following is an entry in ClinVar:

ClinVar aggregate classification (germline): Uncertain significance (1 of 4 stars; one submission).

Conditions:
Inborn genetic diseases. Identifiers: MedGen C0950123, MeSH D030342.

Submission:

Ambry Genetics
Classification: Uncertain significance for Inborn genetic diseases. Last evaluated: 2025-09-25. Review status: criteria provided, single submitter. Criteria: Ambry Variant Classification Scheme 2023. Collection method: clinical testing. Allele origin: germline.
Comment: The p.F420L variant (also known as c.1258T>C), located in coding exon 9 of the BUB1B gene, results from a T to C substitution at nucleotide position 1258. The phenylalanine at codon 420 is replaced by leucine, an amino acid with highly similar properties. This amino acid position is conserved. In addition, this alteration is predicted to be tolerated by in silico analysis. Based on the available evidence, the clinical significance of this variant remains unclear.

NM_001211.6(BUB1B):c.1258T>C (p.Phe420Leu)

Gene: BUB1B (BUB1 mitotic checkpoint serine/threonine kinase B; plus strand). Cytogenetic location: 15q15.1.
Variant type: single nucleotide variant.
Coding change: c.1258T>C on transcript NM_001211.6 (MANE Select); coding-DNA position 1258, T replaced by C.
Protein change: p.Phe420Leu; replaces phenylalanine 420 with leucine.
Molecular consequence: missense variant.
Genome position (GRCh38, 1-based): chr15:40,196,744, T>C. VCF-style: chr15-40196744-T-C. GRCh37 (hg19) VCF-style: chr15-40488945-T-C.
Other names: short protein forms F420L.
Identifiers: ClinVar variation 4600235 (VCV004600235.1).